The following is an entry in ClinVar:

NM_005477.3(HCN4):c.1810G>A (p.Val604Met)

Gene: HCN4 (hyperpolarization activated cyclic nucleotide gated potassium channel 4; minus strand). Cytogenetic location: 15q24.1.
Variant type: single nucleotide variant.
Coding change: c.1810G>A on transcript NM_005477.3 (MANE Select); coding-DNA position 1810, G replaced by A.
Protein change: p.Val604Met; replaces valine 604 with methionine.
Molecular consequence: missense variant.
Genome position (GRCh38, 1-based): chr15:73,325,123, C>T on the plus strand (G>A on the coding strand, the complement: HCN4 is on the minus strand). VCF-style: chr15-73325123-C-T. GRCh37 (hg19) VCF-style: chr15-73617464-C-T.
Other names: short protein forms V604M.
Identifiers: ClinVar variation 2883005 (VCV002883005.3), dbSNP rs1187682984, ClinGen allele CA393090831.

ClinVar aggregate classification (germline): Uncertain significance (1 of 4 stars; one submission).

Conditions:
Brugada syndrome 8 (BRGDA8). Identifiers: Orphanet 130, MedGen C2751083, MONDO:0013148, OMIM 613123.

Allele frequency attached by ClinVar (database versions not stated): gnomAD exomes below 0.00001; 1000 Genomes Project 30x 0.00016.

Submission:

Labcorp Genetics (formerly Invitae), Labcorp
Classification: Uncertain significance for Brugada syndrome 8. Last evaluated: 2023-04-22. Review status: criteria provided, single submitter. Criteria: Invitae Variant Classification Sherloc (09022015). Collection method: clinical testing. Allele origin: germline.
Comment: In summary, the available evidence is currently insufficient to determine the role of this variant in disease. Therefore, it has been classified as a Variant of Uncertain Significance. Advanced modeling of protein sequence and biophysical properties (such as structural, functional, and spatial information, amino acid conservation, physicochemical variation, residue mobility, and thermodynamic stability) has been performed at Invitae for this missense variant, however the output from this modeling did not meet the statistical confidence thresholds required to predict the impact of this variant on HCN4 protein function. This variant has not been reported in the literature in individuals affected with HCN4-related conditions. The frequency data for this variant in the population databases is considered unreliable, as metrics indicate poor data quality at this position in the gnomAD database. This sequence change replaces valine, which is neutral and non-polar, with methionine, which is neutral and non-polar, at codon 604 of the HCN4 protein (p.Val604Met).